The following is an entry in ClinVar:

NM_015107.3(PHF8):c.2078A>G (p.Asp693Gly)

Gene: PHF8 (PHD finger protein 8; minus strand). Cytogenetic location: Xp11.22.
Variant type: single nucleotide variant.
Coding change: c.2078A>G on transcript NM_015107.3 (MANE Select); coding-DNA position 2078, A replaced by G.
Protein change: p.Asp693Gly; replaces aspartic acid 693 with glycine.
Molecular consequence: missense variant. On other transcripts: intron variant (1).
Genome position (GRCh38, 1-based): chrX:53,985,867, T>C on the plus strand (A>G on the coding strand, the complement: PHF8 is on the minus strand). VCF-style: chrX-53985867-T-C. GRCh37 (hg19) VCF-style: chrX-54012300-T-C.
Other names: c.2186A>G, p.Asp729Gly (NM_001184896.1); c.1775A>G, p.Asp592Gly (NM_001184897.2); c.2038+40A>G (NM_001184898.2); short protein forms D592G, D693G, D729G.
Identifiers: ClinVar variation 1218781 (VCV001218781.3), dbSNP rs2149828650, ClinGen allele CA413254135.

ClinVar aggregate classification (germline): Uncertain significance (1 of 4 stars; one submission).

Submission:

GeneDx
Classification: Uncertain significance. Last evaluated: 2019-09-03. Review status: criteria provided, single submitter. Criteria: GeneDx Variant Classification Process June 2021. Collection method: clinical testing. Allele origin: germline. Affected: yes.
Comment: Not observed in large population cohorts (Lek et al., 2016); In silico analysis, which includes protein predictors and evolutionary conservation, supports a deleterious effect; Has not been previously published as pathogenic or benign to our knowledge